The following is an entry in ClinVar:

ClinVar aggregate classification (germline): Uncertain significance. Review status: criteria provided, multiple submitters, no conflicts (2 of 4 stars). 2 submissions from 2 submitters: Uncertain significance (2). Last evaluated 2025-12-04.

Allele frequency attached by ClinVar (database versions not stated): gnomAD exomes below 0.00001; gnomAD 0.00001; TOPMed 0.00001.

Submissions (2):

Ambry Genetics
Classification: Uncertain significance. Last evaluated: 2025-12-04. Review status: criteria provided, single submitter. Criteria: Ambry Variant Classification Scheme 2023. Collection method: clinical testing. Allele origin: germline.

Greenwood Genetic Center Diagnostic Laboratories, Greenwood Genetic Center
Classification: Uncertain significance. Last evaluated: 2022-06-15. Review status: criteria provided, single submitter. Criteria: ACMG Guidelines, 2015. Collection method: clinical testing. Allele origin: germline. Affected: yes.
Comment: PM2

NM_001040272.6(ADAMTSL1):c.164A>G (p.Tyr55Cys)

Gene: ADAMTSL1 (ADAMTS like 1; plus strand). Cytogenetic location: 9p22.1.
Variant type: single nucleotide variant.
Coding change: c.164A>G on transcript NM_001040272.6 (MANE Select); coding-DNA position 164, A replaced by G.
Protein change: p.Tyr55Cys; replaces tyrosine 55 with cysteine.
Molecular consequence: missense variant.
Genome position (GRCh38, 1-based): chr9:18,504,929, A>G. VCF-style: chr9-18504929-A-G. GRCh37 (hg19) VCF-style: chr9-18504927-A-G.
Other names: c.164A>G (NM_001040272.5); c.164A>G, p.Tyr55Cys (NM_052866.5); short protein forms Y55C.
Identifiers: ClinVar variation 1703108 (VCV001703108.4), dbSNP rs999605643, ClinGen allele CA191000121.